The following is an entry in ClinVar:

NM_000059.4(BRCA2):c.10094_10095insGAATTATATC (p.Ser3366fs)

Gene: BRCA2 (BRCA2 DNA repair associated; plus strand). Cytogenetic location: 13q13.1.
Variant type: Insertion.
Coding change: c.10094_10095insGAATTATATC on transcript NM_000059.4 (MANE Select); coding-DNA positions 10094 to 10095, GAATTATATC inserted.
Protein change: p.Ser3366fs; shifts the reading frame from serine 3366.
Molecular consequence: frameshift variant.
Genome position: GRCh38 VCF-style: chr13-32398607-T-TGAATTATATC. GRCh37 (hg19) VCF-style: chr13-32972744-T-TGAATTATATC.
Other names: short protein forms S3366fs.
Identifiers: ClinVar variation 415704 (VCV000415704.60), dbSNP rs1064792995, ClinGen allele CA16614270.

ClinVar aggregate classification (germline): Benign/Likely benign. Review status: criteria provided, multiple submitters, no conflicts (2 of 4 stars). 9 submissions from 9 submitters: Benign (1); Likely benign (6). 2 of the submissions do not count toward it. Last evaluated 2026-02-04.

Conditions:
Hereditary cancer-predisposing syndrome. Also called: Tumor predisposition; Hereditary neoplastic syndrome; Hereditary Cancer Syndrome; Neoplastic Syndromes, Hereditary. Identifiers: Orphanet 140162, MedGen C0027672, MeSH D009386, MONDO:0015356.
Hereditary breast ovarian cancer syndrome. Also called: Hereditary breast and ovarian cancer syndrome; BRCA1- and BRCA2-Associated Hereditary Breast and Ovarian Cancer; Hereditary breast and/or ovarian cancer syndrome; Hereditary breast and ovarian cancer syndrome (HBOC); Breast and ovarian cancer; Hereditary breast and ovarian cancer. Identifiers: Orphanet 145, MedGen C0677776, MeSH D061325, MONDO:0003582. Disease mechanism: loss of function.
Breast-ovarian cancer, familial, susceptibility to, 2 (BROVCA2). Also called: BRCA2 Hereditary Breast and Ovarian Cancer. Identifiers: Orphanet 145, MedGen C2675520, MONDO:0012933, OMIM 612555. Disease mechanism: loss of function.

Submissions (9):

Labcorp Genetics (formerly Invitae), Labcorp
Classification: Benign for Hereditary breast ovarian cancer syndrome. Last evaluated: 2026-02-04. Review status: criteria provided, single submitter. Criteria: Invitae Variant Classification Sherloc (09022015). Collection method: clinical testing. Allele origin: germline.

CeGaT Center for Human Genetics Tuebingen
Classification: Likely benign. Last evaluated: 2024-11-01. Review status: criteria provided, single submitter. Criteria: CeGaT Center For Human Genetics Tuebingen Variant Classification Criteria Version 2. Collection method: clinical testing. Allele origin: germline. Affected: yes. Observed: 2 variant alleles.
Comment: BRCA2: BP4

Women's Health and Genetics/Laboratory Corporation of America, LabCorp
Classification: Likely benign. Last evaluated: 2022-07-27. Review status: criteria provided, single submitter. Criteria: LabCorp Variant Classification Summary - May 2015. Collection method: clinical testing. Allele origin: germline.
Comment: Variant summary: BRCA2 c.10094_10095ins10 (c.10094_10095insGAATTATATC, p.Ser3366AsnfsX5) results in a premature termination codon, predicted to cause a truncation of the encoded protein or absence of the protein due to nonsense mediated decay, which are commonly known mechanisms for disease. However, this variant is located only 51 amino acids from the end of the protein, and 40 amino acids downstream of a well-known polymorphism c.9976A>T (p.Lys3326X), suggesting that it may be a neutral polymorphism. In general, because BRCA2 c.9976A>T has been proven to be non-pathogenic, it is commonly accepted that the region of the BRCA2 gene beyond codon 3326 is not crucial for proper function. The variant was absent in 251160 control chromosomes in gnomAD, but has been reported in healthy controls including 8 European American women older than age 70 years who have never had cancer (FLOSSIES database). c.10094_10095ins10 has been reported in the literature in individuals affected with prostate cancer (Na_2017). These report(s) do not provide unequivocal conclusions about association of the variant with Hereditary Breast And Ovarian Cancer Syndrome. To our knowledge, no experimental evidence demonstrating an impact on protein function has been reported. Four ClinVar submitters (evaluation after 2014) cite the variant as benign/likely benign. Another frameshift variant affecting the same codon (c. 10095delinsGAATTATATCT; p.Ser3366AsnfsX4) has been classified as benign by our laboratory. Based on the evidence outlined above, the variant was classified as likely benign.

Laboratory for Molecular Medicine, Mass General Brigham Personalized Medicine
Classification: Likely benign. Last evaluated: 2020-06-19. Review status: criteria provided, single submitter. Criteria: ACMG Guidelines, 2015. Collection method: clinical testing. Allele origin: germline.
Comment: The p.Ser3366AsnfsX5 variant in BRCA2 has been identified in individuals with hereditary breast and ovarian cancer (Schenkel 2016 PMID: 27376475, Johnston 2015 PMID: 26046366 ); however, it is not expected to be clinically significant because it has been identified in >30/150 normal controls from the Czech Republic (Machackova 2019 PMID: 31409081) and has been identified in an individual with a pathogenic BRCA1 variant (Koczkowska 2016 PMID: 27167707). In addition, a smiliar change at this position (c.10095delinsGAATTATATCT (p.Ser3366AsnfsX4)) is also catagorized as likely benign. Although this variant is predicted to cause a frameshift, which alters the protein’s amino acid sequence beginning at position 3366 and leads to a premature termination codon 5 amino acids downstream, this termination codon occurs within the last exon and is, therefore, likely to escape nonsense mediated decay (NMD) and result in a truncated protein. ACMG/AMP codes applied: BS1; BP5.

Color Diagnostics, LLC DBA Color Health
Classification: Likely benign for Hereditary cancer-predisposing syndrome. Last evaluated: 2018-01-10. Review status: criteria provided, single submitter. Criteria: ACMG Guidelines, 2015. Collection method: clinical testing. Allele origin: germline.

Ambry Genetics
Classification: Likely benign for Hereditary cancer-predisposing syndrome. Last evaluated: 2017-10-19. Review status: criteria provided, single submitter. Criteria: Ambry Variant Classification Scheme 2023. Collection method: clinical testing. Allele origin: germline.

Fulgent Genetics
Classification: Likely benign for Breast-ovarian cancer, familial, susceptibility to, 2. Last evaluated: 2015-08-17. Review status: criteria provided, single submitter. Criteria: ACMG Guidelines, 2015. Collection method: clinical testing. Allele origin: unknown.

Clinical Genetics Laboratory, Department of Pathology, Netherlands Cancer Institute
Classification: Uncertain significance. Review status: no assertion criteria provided. Collection method: clinical testing. Allele origin: germline. Affected: yes. Study: VKGL Data-share Consensus. Not counted in ClinVar's aggregate classification.

Laboratory of Diagnostic Genome Analysis, Leiden University Medical Center (LUMC)
Classification: Uncertain significance. Review status: no assertion criteria provided. Collection method: clinical testing. Allele origin: germline. Affected: yes. Study: VKGL Data-share Consensus. Not counted in ClinVar's aggregate classification.

Literature cited by the submitters: PubMed 26046366 (cited by Women's Health and Genetics/Laboratory Corporation of America, LabCorp and Laboratory for Molecular Medicine, Mass General Brigham Personalized Medicine); PubMed 26580448 (cited by Women's Health and Genetics/Laboratory Corporation of America, LabCorp); PubMed 27989354 (cited by 3 submitters); PubMed 27486019 (cited by Women's Health and Genetics/Laboratory Corporation of America, LabCorp); PubMed 31907376 (cited by Women's Health and Genetics/Laboratory Corporation of America, LabCorp); PubMed 31409081 (cited by Laboratory for Molecular Medicine, Mass General Brigham Personalized Medicine); PubMed 28324225 (cited by Laboratory for Molecular Medicine, Mass General Brigham Personalized Medicine); PubMed 27376475 (cited by Laboratory for Molecular Medicine, Mass General Brigham Personalized Medicine); PubMed 27167707 (cited by Laboratory for Molecular Medicine, Mass General Brigham Personalized Medicine).